The following is an entry in ClinVar:

ClinVar aggregate classification (germline): Uncertain significance (1 of 4 stars; one submission).

gnomAD v4.1: 1 of 1,206,664 alleles (0.000083%); no homozygotes.

Submission:

Labcorp Genetics (formerly Invitae), Labcorp
Classification: Uncertain significance. Last evaluated: 2025-09-08. Review status: criteria provided, single submitter. Criteria: Invitae Variant Classification Sherloc (09022015). Collection method: clinical testing. Allele origin: germline.
Comment: This sequence change replaces proline, which is neutral and non-polar, with threonine, which is neutral and polar, at codon 272 of the FGD1 protein (p.Pro272Thr). The frequency data for this variant in the population databases is considered unreliable, as metrics indicate poor data quality at this position in the gnomAD database. This variant has not been reported in the literature in individuals affected with FGD1-related conditions. Invitae Evidence Modeling of protein sequence and biophysical properties (such as structural, functional, and spatial information, amino acid conservation, physicochemical variation, residue mobility, and thermodynamic stability) indicates that this missense variant is not expected to disrupt FGD1 protein function with a negative predictive value of 95%. In summary, the available evidence is currently insufficient to determine the role of this variant in disease. Therefore, it has been classified as a Variant of Uncertain Significance.

NM_004463.3(FGD1):c.814C>A (p.Pro272Thr)

Gene: FGD1 (FYVE, RhoGEF and PH domain containing 1; minus strand). Cytogenetic location: Xp11.22.
Variant type: single nucleotide variant.
Coding change: c.814C>A on transcript NM_004463.3 (MANE Select); coding-DNA position 814, C replaced by A.
Protein change: p.Pro272Thr; replaces proline 272 with threonine.
Molecular consequence: missense variant.
Genome position (GRCh38, 1-based): chrX:54,470,303, G>T on the plus strand (C>A on the coding strand, the complement: FGD1 is on the minus strand). VCF-style: chrX-54470303-G-T. GRCh37 (hg19) VCF-style: chrX-54496736-G-T.
Other names: short protein forms P272T.
Identifiers: ClinVar variation 4747556 (VCV004747556.1).
Genomic context (GRCh38, chrX:54,470,303, plus strand): 5'-ATGGCGAGCTGATGCTATCAATGCCGCTGTCCCGGTTGGGCACCTTCTCACCGTCCCGGG[G>T]CCCAGGAGCCAGCAGAAACAGGCAGCGGGAGGCCTCACCCTCGGGGAGCTGGGGCACTGG-3'
Protein context (NP_004454.2, residues 262-282): SRCLFLLAPG[Pro272Thr]RDGEKVPNRD